The following is an entry in ClinVar:

ClinVar aggregate classification (germline): Uncertain significance. Review status: criteria provided, multiple submitters, no conflicts (2 of 4 stars). 2 submissions from 2 submitters: Uncertain significance (2). Last evaluated 2023-10-11.

Conditions:
Familial cancer of breast. Also called: Hereditary breast cancer; hereditary breast carcinoma; BREAST CANCER, FAMILIAL. Identifiers: Orphanet 227535, MedGen C0346153, MONDO:0016419, OMIM 114480. Disease mechanism: loss of function.
Fanconi anemia complementation group J. Also called: BRIP1-Related Fanconi Anemia. Identifiers: Orphanet 84, MedGen C1836860, MONDO:0012187, OMIM 609054.

Submissions (2):

Baylor Genetics
Classification: Uncertain significance for Familial cancer of breast. Last evaluated: 2023-10-11. Review status: criteria provided, single submitter. Criteria: ACMG Guidelines, 2015. Collection method: clinical testing. Allele origin: unknown.

Labcorp Genetics (formerly Invitae), Labcorp
Classification: Uncertain significance for Familial cancer of breast; Fanconi anemia complementation group J. Last evaluated: 2021-01-22. Review status: criteria provided, single submitter. Criteria: Invitae Variant Classification Sherloc (09022015). Collection method: clinical testing. Allele origin: germline.
Comment: This sequence change replaces methionine with threonine at codon 381 of the BRIP1 protein (p.Met381Thr). The methionine residue is highly conserved and there is a moderate physicochemical difference between methionine and threonine. This variant is not present in population databases (ExAC no frequency). This variant has not been reported in the literature in individuals with BRIP1-related conditions. Algorithms developed to predict the effect of missense changes on protein structure and function are either unavailable or do not agree on the potential impact of this missense change (SIFT: "Tolerated"; PolyPhen-2: "Probably Damaging"; Align-GVGD: "Class C0"). In summary, the available evidence is currently insufficient to determine the role of this variant in disease. Therefore, it has been classified as a Variant of Uncertain Significance.

NM_032043.3(BRIP1):c.1142T>C (p.Met381Thr)

Gene: BRIP1 (BRCA1 interacting DNA helicase 1; minus strand). Cytogenetic location: 17q23.2.
Variant type: single nucleotide variant.
Coding change: c.1142T>C on transcript NM_032043.3 (MANE Select); coding-DNA position 1142, T replaced by C.
Protein change: p.Met381Thr; replaces methionine 381 with threonine.
Molecular consequence: missense variant.
Genome position (GRCh38, 1-based): chr17:61,799,298, A>G on the plus strand (T>C on the coding strand, the complement: BRIP1 is on the minus strand). VCF-style: chr17-61799298-A-G. GRCh37 (hg19) VCF-style: chr17-59876659-A-G.
Other names: short protein forms M381T.
Identifiers: ClinVar variation 952263 (VCV000952263.11), dbSNP rs1060501741, ClinGen allele CA400483833.